The following is an entry in ClinVar:

NM_001042492.3(NF1):c.7409A>G (p.Asn2470Ser)

Gene: NF1 (neurofibromin 1; plus strand). Cytogenetic location: 17q11.2.
Variant type: single nucleotide variant.
Coding change: c.7409A>G on transcript NM_001042492.3 (MANE Select); coding-DNA position 7409, A replaced by G.
Protein change: p.Asn2470Ser; replaces asparagine 2470 with serine.
Molecular consequence: missense variant.
Genome position (GRCh38, 1-based): chr17:31,350,270, A>G. VCF-style: chr17-31350270-A-G. GRCh37 (hg19) VCF-style: chr17-29677288-A-G.
Other names: c.7346A>G, p.Asn2449Ser (NM_000267.4); short protein forms N2470S, N2449S.
Identifiers: ClinVar variation 3713495 (VCV003713495.2).

ClinVar aggregate classification (germline): Uncertain significance (1 of 4 stars; one submission).

Conditions:
Neurofibromatosis, type 1 (NF1). Also called: VON RECKLINGHAUSEN DISEASE; NEUROFIBROMATOSIS, TYPE I, SOMATIC; Peripheral type neurofibromatosis; Neurofibromatosis, type I. Identifiers: Orphanet 636, MedGen C0027831, MONDO:0018975, OMIM 162200. Disease mechanism: loss of function.

gnomAD v4.1: 2 of 1,613,644 alleles (0.00012%); highest among the groups gnomAD compares: African/African-American, 0.0013%; no homozygotes.

Submission:

Labcorp Genetics (formerly Invitae), Labcorp
Classification: Uncertain significance for Neurofibromatosis, type 1. Last evaluated: 2024-05-08. Review status: criteria provided, single submitter. Criteria: Invitae Variant Classification Sherloc (09022015). Collection method: clinical testing. Allele origin: germline.
Comment: This sequence change replaces asparagine, which is neutral and polar, with serine, which is neutral and polar, at codon 2449 of the NF1 protein (p.Asn2449Ser). This variant is not present in population databases (gnomAD no frequency). This variant has not been reported in the literature in individuals affected with NF1-related conditions. Advanced modeling of protein sequence and biophysical properties (such as structural, functional, and spatial information, amino acid conservation, physicochemical variation, residue mobility, and thermodynamic stability) performed at Invitae indicates that this missense variant is not expected to disrupt NF1 protein function with a negative predictive value of 95%. In summary, the available evidence is currently insufficient to determine the role of this variant in disease. Therefore, it has been classified as a Variant of Uncertain Significance.